The following is an entry in ClinVar:

NM_001330700.2(TOP2B):c.2305G>T (p.Ala769Ser)

Gene: TOP2B (DNA topoisomerase II beta; minus strand). Cytogenetic location: 3p24.2.
Variant type: single nucleotide variant.
Coding change: c.2305G>T on transcript NM_001330700.2 (MANE Select); coding-DNA position 2305, G replaced by T.
Protein change: p.Ala769Ser; replaces alanine 769 with serine.
Molecular consequence: missense variant.
Genome position (GRCh38, 1-based): chr3:25,624,723, C>A on the plus strand (G>T on the coding strand, the complement: TOP2B is on the minus strand). VCF-style: chr3-25624723-C-A. GRCh37 (hg19) VCF-style: chr3-25666214-C-A.
Other names: c.2290G>T, p.Ala764Ser (NM_001068.3); short protein forms A764S, A769S.
Identifiers: ClinVar variation 2412967 (VCV002412967.3), dbSNP rs1702748922, ClinGen allele CA351903334.

ClinVar aggregate classification (germline): Uncertain significance (1 of 4 stars; one submission).

Submission:

GeneDx
Classification: Uncertain significance. Last evaluated: 2022-07-27. Review status: criteria provided, single submitter. Criteria: GeneDx Variant Classification Process June 2021. Collection method: clinical testing. Allele origin: germline. Affected: yes.
Comment: Not observed at significant frequency in large population cohorts (gnomAD); In silico analysis supports that this missense variant has a deleterious effect on protein structure/function; Has not been previously published as pathogenic or benign to our knowledge